The following is an entry in ClinVar:

NM_033109.5(PNPT1):c.892G>A (p.Val298Ile)

Gene: PNPT1 (polyribonucleotide nucleotidyltransferase 1; minus strand). Cytogenetic location: 2p16.1.
Variant type: single nucleotide variant.
Coding change: c.892G>A on transcript NM_033109.5 (MANE Select); coding-DNA position 892, G replaced by A.
Protein change: p.Val298Ile; replaces valine 298 with isoleucine.
Molecular consequence: missense variant.
Genome position (GRCh38, 1-based): chr2:55,672,021, C>T on the plus strand (G>A on the coding strand, the complement: PNPT1 is on the minus strand). VCF-style: chr2-55672021-C-T. GRCh37 (hg19) VCF-style: chr2-55899156-C-T.
Other names: short protein forms V298I.
Identifiers: ClinVar variation 1352845 (VCV001352845.4), dbSNP rs534505993, ClinGen allele CA346932249.

ClinVar aggregate classification (germline): Uncertain significance (1 of 4 stars; one submission).

gnomAD v4.1: 13 of 1,603,124 alleles (0.00081%); highest among the groups gnomAD compares: African/African-American, 0.004%; no homozygotes.

Submission:

Labcorp Genetics (formerly Invitae), Labcorp
Classification: Uncertain significance. Last evaluated: 2022-11-08. Review status: criteria provided, single submitter. Criteria: Invitae Variant Classification Sherloc (09022015). Collection method: clinical testing. Allele origin: germline.
Comment: In summary, the available evidence is currently insufficient to determine the role of this variant in disease. Therefore, it has been classified as a Variant of Uncertain Significance. Advanced modeling of protein sequence and biophysical properties (such as structural, functional, and spatial information, amino acid conservation, physicochemical variation, residue mobility, and thermodynamic stability) performed at Invitae indicates that this missense variant is not expected to disrupt PNPT1 protein function. ClinVar contains an entry for this variant (Variation ID: 1352845). This variant has not been reported in the literature in individuals affected with PNPT1-related conditions. This variant is not present in population databases (gnomAD no frequency). This sequence change replaces valine, which is neutral and non-polar, with isoleucine, which is neutral and non-polar, at codon 298 of the PNPT1 protein (p.Val298Ile).